The following is an entry in ClinVar:

ClinVar aggregate classification (germline): Uncertain significance (1 of 4 stars; one submission).

Conditions:
Hereditary cancer-predisposing syndrome. Also called: Hereditary Cancer Syndrome; Hereditary neoplastic syndrome; Tumor predisposition; Neoplastic Syndromes, Hereditary. Identifiers: Orphanet 140162, MedGen C0027672, MeSH D009386, MONDO:0015356.

Submission:

Labcorp Genetics (formerly Invitae), Labcorp
Classification: Uncertain significance for Hereditary cancer-predisposing syndrome. Last evaluated: 2021-01-13. Review status: criteria provided, single submitter. Criteria: Invitae Variant Classification Sherloc (09022015). Collection method: clinical testing. Allele origin: germline.
Comment: This sequence change replaces threonine with alanine at codon 1127 of the RAD50 protein (p.Thr1127Ala). The threonine residue is weakly conserved and there is a small physicochemical difference between threonine and alanine. This variant is not present in population databases (ExAC no frequency). This variant has not been reported in the literature in individuals with RAD50-related conditions. Algorithms developed to predict the effect of missense changes on protein structure and function output the following: SIFT: "Tolerated"; PolyPhen-2: "Benign"; Align-GVGD: "Class C0". The alanine amino acid residue is found in multiple mammalian species, suggesting that this missense change does not adversely affect protein function. These predictions have not been confirmed by published functional studies and their clinical significance is uncertain. In summary, the available evidence is currently insufficient to determine the role of this variant in disease. Therefore, it has been classified as a Variant of Uncertain Significance.

NM_005732.4(RAD50):c.3379A>G (p.Thr1127Ala)

Gene: RAD50 (RAD50 double strand break repair protein; plus strand). Cytogenetic location: 5q31.1.
Variant type: single nucleotide variant.
Coding change: c.3379A>G on transcript NM_005732.4 (MANE Select); coding-DNA position 3379, A replaced by G.
Protein change: p.Thr1127Ala; replaces threonine 1127 with alanine.
Molecular consequence: missense variant.
Genome position (GRCh38, 1-based): chr5:132,618,284, A>G. VCF-style: chr5-132618284-A-G. GRCh37 (hg19) VCF-style: chr5-131953976-A-G.
Other names: short protein forms T1127A.
Identifiers: ClinVar variation 1400377 (VCV001400377.8), dbSNP rs1751214784, ClinGen allele CA360965047.